The following is an entry in ClinVar:

NM_001105669.4(TTC24):c.294C>T (p.Gly98=)

Gene: TTC24 (tetratricopeptide repeat domain 24; plus strand). Cytogenetic location: 1q22.
Variant type: single nucleotide variant.
Coding change: c.294C>T on transcript NM_001105669.4 (MANE Select); coding-DNA position 294, C replaced by T.
Protein change: p.Gly98=; no amino-acid change (glycine 98 retained).
Molecular consequence: synonymous variant.
Genome position (GRCh38, 1-based): chr1:156,581,658, C>T. VCF-style: chr1-156581658-C-T. GRCh37 (hg19) VCF-style: chr1-156551450-C-T.
Identifiers: ClinVar variation 2639455 (VCV002639455.24), dbSNP rs2525978773, ClinGen allele CA421261884.

ClinVar aggregate classification (germline): Likely benign (1 of 4 stars; one submission).

Submission:

CeGaT Center for Human Genetics Tuebingen
Classification: Likely benign. Last evaluated: 2023-02-01. Review status: criteria provided, single submitter. Criteria: CeGaT Center For Human Genetics Tuebingen Variant Classification Criteria Version 2. Collection method: clinical testing. Allele origin: germline. Affected: yes. Observed: 1 variant allele.
Comment: TTC24: PM2:Supporting, BP4, BP7